The following is an entry in ClinVar:

ClinVar aggregate classification (germline): Uncertain significance (1 of 4 stars; one submission).

Conditions:
Congenital sideroblastic anemia-B-cell immunodeficiency-periodic fever-developmental delay syndrome. Also called: Sideroblastic anemia with B-cell immunodeficiency, periodic fevers, and developmental delay. Identifiers: Orphanet 369861, MedGen C4015172, MONDO:0014487, OMIM 616084.

Allele frequency attached by ClinVar (database versions not stated): 1000 Genomes Project 30x 0.00016; 1000 Genomes Project 0.00020.
gnomAD v4.1: 2 of 1,613,810 alleles (0.00012%); highest among the groups gnomAD compares: East Asian, 0.0022%; no homozygotes.

Submission:

Labcorp Genetics (formerly Invitae), Labcorp
Classification: Uncertain significance for Congenital sideroblastic anemia-B-cell immunodeficiency-periodic fever-developmental delay syndrome. Last evaluated: 2022-11-28. Review status: criteria provided, single submitter. Criteria: Invitae Variant Classification Sherloc (09022015). Collection method: clinical testing. Allele origin: germline.
Comment: This missense change has been observed in individual(s) with clinical features of TRNT1-related conditions (Invitae). In at least one individual the data is consistent with being in trans (on the opposite chromosome) from a pathogenic variant. This sequence change replaces glutamic acid, which is acidic and polar, with lysine, which is basic and polar, at codon 413 of the TRNT1 protein (p.Glu413Lys). This variant is not present in population databases (gnomAD no frequency). Advanced modeling of protein sequence and biophysical properties (such as structural, functional, and spatial information, amino acid conservation, physicochemical variation, residue mobility, and thermodynamic stability) performed at Invitae indicates that this missense variant is not expected to disrupt TRNT1 protein function. In summary, the available evidence is currently insufficient to determine the role of this variant in disease. Therefore, it has been classified as a Variant of Uncertain Significance.

NM_182916.3(TRNT1):c.1237G>A (p.Glu413Lys)

Gene: TRNT1 (tRNA nucleotidyl transferase 1; plus strand). Cytogenetic location: 3p26.2.
Variant type: single nucleotide variant.
Coding change: c.1237G>A on transcript NM_182916.3 (MANE Select); coding-DNA position 1237, G replaced by A.
Protein change: p.Glu413Lys; replaces glutamic acid 413 with lysine.
Molecular consequence: missense variant. On other transcripts: non-coding transcript variant (8).
Genome position (GRCh38, 1-based): chr3:3,148,086, G>A. VCF-style: chr3-3148086-G-A. GRCh37 (hg19) VCF-style: chr3-3189770-G-A.
Other names: c.1177G>A, p.Glu393Lys (NM_001302946.2); c.1237G>A, p.Glu413Lys (NM_001367321.1, NM_001367322.1, NM_001367323.1); short protein forms E393K, E413K.
Identifiers: ClinVar variation 1961815 (VCV001961815.4), dbSNP rs530118123, ClinGen allele CA68735235.